The following is an entry in ClinVar:

ClinVar aggregate classification (germline): Conflicting classifications of pathogenicity. Review status: criteria provided, conflicting classifications (1 of 4 stars). 5 submissions from 5 submitters: Uncertain significance (3); Likely benign (2). Last evaluated 2025-06-13.

Conditions:
Hereditary breast ovarian cancer syndrome. Also called: Hereditary breast and ovarian cancer syndrome (HBOC); Hereditary breast and ovarian cancer syndrome; Breast and ovarian cancer; Hereditary breast and/or ovarian cancer syndrome; Hereditary breast and ovarian cancer; BRCA1- and BRCA2-Associated Hereditary Breast and Ovarian Cancer. Identifiers: Orphanet 145, MedGen C0677776, MeSH D061325, MONDO:0003582. Disease mechanism: loss of function.
Hereditary cancer-predisposing syndrome. Also called: Neoplastic Syndromes, Hereditary; Hereditary Cancer Syndrome; Hereditary neoplastic syndrome; Tumor predisposition. Identifiers: Orphanet 140162, MedGen C0027672, MeSH D009386, MONDO:0015356.

Submissions (5):

Quest Diagnostics Nichols Institute San Juan Capistrano
Classification: Uncertain significance. Last evaluated: 2025-06-13. Review status: criteria provided, single submitter. Criteria: Quest Diagnostics criteria. Collection method: clinical testing. Allele origin: unknown.
Comment: The BRCA2 c.1939T>G (p.Cys647Gly) variant has been reported in the published literature to be located in a region of the BRCA2 gene that is tolerant to missense sequence changes (PMID: 31911673 (2020)). To the best of our knowledge, this variant has not been reported in individuals with BRCA2-related disorders. This variant has not been reported in large, multi-ethnic general populations (Genome Aggregation Database). Analysis of this variant using bioinformatics tools for the prediction of the effect of amino acid changes on protein structure and function yielded predictions that this variant is benign. Based on the available information, we are unable to determine the clinical significance of this variant.

Ambry Genetics
Classification: Likely benign for Hereditary cancer-predisposing syndrome. Last evaluated: 2024-12-17. Review status: criteria provided, single submitter. Criteria: Ambry Variant Classification Scheme 2023. Collection method: clinical testing. Allele origin: germline.

Labcorp Genetics (formerly Invitae), Labcorp
Classification: Uncertain significance for Hereditary breast ovarian cancer syndrome. Last evaluated: 2023-11-10. Review status: criteria provided, single submitter. Criteria: Invitae Variant Classification Sherloc (09022015). Collection method: clinical testing. Allele origin: germline.
Comment: This sequence change replaces cysteine, which is neutral and slightly polar, with glycine, which is neutral and non-polar, at codon 647 of the BRCA2 protein (p.Cys647Gly). This variant is not present in population databases (gnomAD no frequency). This variant has not been reported in the literature in individuals affected with BRCA2-related conditions. ClinVar contains an entry for this variant (Variation ID: 462249). Advanced modeling of protein sequence and biophysical properties (such as structural, functional, and spatial information, amino acid conservation, physicochemical variation, residue mobility, and thermodynamic stability) performed at Invitae indicates that this missense variant is not expected to disrupt BRCA2 protein function with a negative predictive value of 95%. In summary, the available evidence is currently insufficient to determine the role of this variant in disease. Therefore, it has been classified as a Variant of Uncertain Significance.

University of Washington Department of Laboratory Medicine, University of Washington
Classification: Likely benign for Hereditary cancer-predisposing syndrome. Last evaluated: 2023-03-23. Review status: criteria provided, single submitter. Criteria: Dines et al. (Genet Med. 2020). Collection method: curation. Allele origin: germline.
Comment: Missense variant in a coldspot region where missense variants are very unlikely to be pathogenic (PMID:31911673).

BRCA2 exon 11 coldspot. Reclassification based on statistical prior probability.

Sema4
Classification: Uncertain significance for Hereditary cancer-predisposing syndrome. Last evaluated: 2021-07-26. Review status: criteria provided, single submitter. Criteria: Sema4 Curation Guidelines. Collection method: curation. Allele origin: germline.
Comment: To the best of our knowledge, the BRCA2 c.1939T>G (p.C647G) variant has not been reported in individuals with BRCA2-related disease. It was not observed in the large and broad cohorts of the Genome Aggregation Database (PMID: 32461654). The variant has been reported in ClinVar (Variation ID 462249). Functional studies have not been performed and in silico predictions of the variant's effect on protein function are inconclusive. The evidence is insufficient to meet ACMG/AMP criteria for classifying the variant as benign or pathogenic. Thus, the clinical significance of this variant is currently uncertain.

Literature cited by the submitters: PubMed 31911673 (cited by Quest Diagnostics Nichols Institute San Juan Capistrano).

NM_000059.4(BRCA2):c.1939T>G (p.Cys647Gly)

Gene: BRCA2 (BRCA2 DNA repair associated; plus strand). Cytogenetic location: 13q13.1.
Variant type: single nucleotide variant.
Coding change: c.1939T>G on transcript NM_000059.4 (MANE Select); coding-DNA position 1939, T replaced by G.
Protein change: p.Cys647Gly; replaces cysteine 647 with glycine.
Molecular consequence: missense variant.
Genome position (GRCh38, 1-based): chr13:32,336,294, T>G. VCF-style: chr13-32336294-T-G. GRCh37 (hg19) VCF-style: chr13-32910431-T-G.
Other names: short protein forms C647G.
Identifiers: ClinVar variation 462249 (VCV000462249.15), dbSNP rs1555282367, ClinGen allele CA387768354.
Genomic context (GRCh38, chr13:32,336,294, plus strand): 5'-TAATTTTGTCACTTTGTGTTTTTATGTTTAGGTTTATTGCATTCTTCTGTGAAAAGAAGC[T>G]GTTCACAGAATGATTCTGAAGAACCAACTTTGTCCTTAACTAGCTCTTTTGGGACAATTC-3'
Protein context (NP_000050.3, residues 637-657): GLLHSSVKRS[Cys647Gly]SQNDSEEPTL